The following is an entry in ClinVar:

ClinVar aggregate classification (germline): Uncertain significance (1 of 4 stars; one submission).

gnomAD v4.1: 6 of 1,614,150 alleles (0.00037%); highest among the groups gnomAD compares: African/African-American, 0.0013%; no homozygotes.

Submission:

Labcorp Genetics (formerly Invitae), Labcorp
Classification: Uncertain significance. Last evaluated: 2023-07-10. Review status: criteria provided, single submitter. Criteria: Invitae Variant Classification Sherloc (09022015). Collection method: clinical testing. Allele origin: germline.
Comment: This variant has not been reported in the literature in individuals affected with FBN3-related conditions. This variant is not present in population databases (gnomAD no frequency). This sequence change replaces cysteine with arginine at codon 2390 of the FBN3 protein (p.Cys2390Arg). The cysteine residue is highly conserved and there is a large physicochemical difference between cysteine and arginine. ClinVar contains an entry for this variant (Variation ID: 1431243). In summary, the available evidence is currently insufficient to determine the role of this variant in disease. Therefore, it has been classified as a Variant of Uncertain Significance. Algorithms developed to predict the effect of sequence changes on RNA splicing suggest that this variant may create or strengthen a splice site. Advanced modeling of protein sequence and biophysical properties (such as structural, functional, and spatial information, amino acid conservation, physicochemical variation, residue mobility, and thermodynamic stability) performed at Invitae indicates that this missense variant is expected to disrupt FBN3 protein function.

NM_032447.5(FBN3):c.7168T>C (p.Cys2390Arg)

Gene: FBN3 (fibrillin 3; minus strand). Cytogenetic location: 19p13.2.
Variant type: single nucleotide variant.
Coding change: c.7168T>C on transcript NM_032447.5 (MANE Select); coding-DNA position 7168, T replaced by C.
Protein change: p.Cys2390Arg; replaces cysteine 2390 with arginine.
Molecular consequence: missense variant.
Genome position (GRCh38, 1-based): chr19:8,083,292, A>G on the plus strand (T>C on the coding strand, the complement: FBN3 is on the minus strand). VCF-style: chr19-8083292-A-G. GRCh37 (hg19) VCF-style: chr19-8148176-A-G.
Other names: c.7168T>C, p.Cys2390Arg (NM_001321431.2); short protein forms C2390R.
Identifiers: ClinVar variation 1431243 (VCV001431243.8), dbSNP rs2144636728, ClinGen allele CA403707367.
Genomic context (GRCh38, chr19:8,083,292, plus strand): 5'-GAGGGCTGGGCTCACCCAGGCAGGTAGTAGCAGTAGCATCCGGTGTGTACCCGGCCTGAC[A>G]GTGGCAGCGGAAGGAGCCAAGGCTGTTGATGCACTCCCCATGAGCACACAGGTGAGCAAG-3'
Protein context (NP_115823.3, residues 2380-2400): INSLGSFRCH[Cys2390Arg]QAGYTPDATA